The following is an entry in ClinVar:

ClinVar aggregate classification (germline): Uncertain significance (1 of 4 stars; one submission).

Conditions:
Cardiovascular phenotype. Identifiers: MedGen CN230736.

Submission:

Ambry Genetics
Classification: Uncertain significance for Cardiovascular phenotype. Last evaluated: 2024-11-26. Review status: criteria provided, single submitter. Criteria: Ambry Variant Classification Scheme 2023. Collection method: clinical testing. Allele origin: germline.
Comment: The p.S3784T variant (also known as c.11350T>A), located in coding exon 16 of the ALMS1 gene, results from a T to A substitution at nucleotide position 11350. The serine at codon 3784 is replaced by threonine, an amino acid with similar properties. This amino acid position is highly conserved in available vertebrate species. In addition, this alteration is predicted to be tolerated by in silico analysis. Based on the available evidence, the clinical significance of this variant remains unclear.

NM_001378454.1(ALMS1):c.11347T>A (p.Ser3783Thr)

Gene: ALMS1 (ALMS1 centrosome and basal body associated protein; plus strand). Cytogenetic location: 2p13.1.
Variant type: single nucleotide variant.
Coding change: c.11347T>A on transcript NM_001378454.1 (MANE Select); coding-DNA position 11347, T replaced by A.
Protein change: p.Ser3783Thr; replaces serine 3783 with threonine.
Molecular consequence: missense variant.
Genome position (GRCh38, 1-based): chr2:73,573,224, T>A. VCF-style: chr2-73573224-T-A. GRCh37 (hg19) VCF-style: chr2-73800351-T-A.
Other names: c.11350T>A, p.Ser3784Thr (NM_015120.4); short protein forms S3784T, S3783T.
Identifiers: ClinVar variation 3527439 (VCV003527439.1).
Genomic context (GRCh38, chr2:73,573,224, plus strand): 5'-TCAGATATATTGACCCAAACAGATAGAGAGGTGGCTCTGCACGAAAGGAGTAGCTCTGTT[T>A]CCACTATTGACACTGCCCGGCTGATTCAAGCTTTTGGCCATGAAAGAGTATGCTTGTCAC-3'
Protein context (NP_001365383.1, residues 3773-3793): VALHERSSSV[Ser3783Thr]TIDTARLIQA